The following is an entry in ClinVar:

ClinVar aggregate classification (germline): Uncertain significance. Review status: criteria provided, multiple submitters, no conflicts (2 of 4 stars). 2 submissions from 2 submitters: Uncertain significance (2). Last evaluated 2024-05-21.

Conditions:
Koolen-de Vries syndrome (KDVS). Identifiers: Orphanet 96169, MedGen C1864871, MONDO:0012496, OMIM 610443.

Allele frequency attached by ClinVar (database versions not stated): gnomAD exomes below 0.00001 and 0.00001; TOPMed below 0.00001; ExAC 0.00001; gnomAD 0.00001; 1000 Genomes Project 30x 0.00016; 1000 Genomes Project 0.00020.
gnomAD v4.1: 4 of 1,614,160 alleles (0.00025%); highest among the groups gnomAD compares: African/African-American, 0.0027%; no homozygotes.

Submissions (2):

Fulgent Genetics
Classification: Uncertain significance for Koolen-de Vries syndrome. Last evaluated: 2024-05-21. Review status: criteria provided, single submitter. Criteria: ACMG Guidelines, 2015. Collection method: clinical testing. Allele origin: germline.

Labcorp Genetics (formerly Invitae), Labcorp
Classification: Uncertain significance for Koolen-de Vries syndrome. Last evaluated: 2024-02-17. Review status: criteria provided, single submitter. Criteria: Invitae Variant Classification Sherloc (09022015). Collection method: clinical testing. Allele origin: germline.
Comment: This sequence change replaces serine, which is neutral and polar, with asparagine, which is neutral and polar, at codon 806 of the KANSL1 protein (p.Ser806Asn). This variant is present in population databases (rs539976549, gnomAD 0.007%). This variant has not been reported in the literature in individuals affected with KANSL1-related conditions. ClinVar contains an entry for this variant (Variation ID: 837849). Advanced modeling of protein sequence and biophysical properties (such as structural, functional, and spatial information, amino acid conservation, physicochemical variation, residue mobility, and thermodynamic stability) performed at Invitae indicates that this missense variant is not expected to disrupt KANSL1 protein function with a negative predictive value of 80%. In summary, the available evidence is currently insufficient to determine the role of this variant in disease. Therefore, it has been classified as a Variant of Uncertain Significance.

NM_015443.4(KANSL1):c.2417G>A (p.Ser806Asn)

Gene: KANSL1 (KAT8 regulatory NSL complex subunit 1). Cytogenetic location: 17q21.31.
Variant type: single nucleotide variant.
Coding change: c.2417G>A on transcript NM_015443.4 (MANE Select); coding-DNA position 2417, G replaced by A.
Protein change: p.Ser806Asn; replaces serine 806 with asparagine.
Molecular consequence: missense variant.
Genome position (GRCh38, 1-based): chr17:46,038,662, C>T on the plus strand (G>A on the coding strand, the complement: KANSL1 is on the minus strand). VCF-style: chr17-46038662-C-T. GRCh37 (hg19) VCF-style: chr17-44116028-C-T.
Other names: c.2417G>A, p.Ser806Asn (NM_001193465.2, NM_001193466.2, NM_001379198.1); short protein forms S806N.
Identifiers: ClinVar variation 837849 (VCV000837849.11), dbSNP rs539976549, ClinGen allele CA8618568.